The following is an entry in ClinVar:

ClinVar aggregate classification (germline): Uncertain significance. Review status: criteria provided, multiple submitters, no conflicts (2 of 4 stars). 3 submissions from 3 submitters: Uncertain significance (3). Last evaluated 2024-10-08.

Conditions:
Inborn genetic diseases. Identifiers: MedGen C0950123, MeSH D030342.

Allele frequency attached by ClinVar (database versions not stated): gnomAD exomes 0.00001 and below 0.00001; TOPMed 0.00001; ExAC 0.00003; gnomAD 0.00004.
gnomAD v4.1: 21 of 1,605,266 alleles (0.0013%); highest among the groups gnomAD compares: Admixed American, 0.01%; no homozygotes.

Submissions (3):

Ambry Genetics
Classification: Uncertain significance for Inborn genetic diseases. Last evaluated: 2024-10-08. Review status: criteria provided, single submitter. Criteria: Ambry Variant Classification Scheme 2023. Collection method: clinical testing. Allele origin: germline.

Blueprint Genetics
Classification: Uncertain significance. Last evaluated: 2024-09-11. Review status: criteria provided, single submitter. Criteria: ACMG Guidelines, 2015. Collection method: clinical testing. Allele origin: germline.

Labcorp Genetics (formerly Invitae), Labcorp
Classification: Uncertain significance. Last evaluated: 2022-06-05. Review status: criteria provided, single submitter. Criteria: Invitae Variant Classification Sherloc (09022015). Collection method: clinical testing. Allele origin: germline.
Comment: This sequence change replaces glycine, which is neutral and non-polar, with glutamic acid, which is acidic and polar, at codon 97 of the TSPYL1 protein (p.Gly97Glu). This variant is present in population databases (rs370218082, gnomAD 0.02%). This variant has not been reported in the literature in individuals affected with TSPYL1-related conditions. ClinVar contains an entry for this variant (Variation ID: 1476835). Algorithms developed to predict the effect of missense changes on protein structure and function output the following: SIFT: "Deleterious"; PolyPhen-2: "Probably Damaging"; Align-GVGD: "Class C0". The glutamic acid amino acid residue is found in multiple mammalian species, which suggests that this missense change does not adversely affect protein function. In summary, the available evidence is currently insufficient to determine the role of this variant in disease. Therefore, it has been classified as a Variant of Uncertain Significance.

NM_003309.4(TSPYL1):c.290G>A (p.Gly97Glu)

Genes: DSE (dermatan sulfate epimerase; plus strand), TSPYL1 (TSPY like 1; minus strand), LOC129997035 (ATAC-STARR-seq lymphoblastoid active region 24984; plus strand). Cytogenetic location: 6q22.1.
Variant type: single nucleotide variant.
Coding change: c.290G>A on transcript NM_003309.4 (MANE Select); coding-DNA position 290, G replaced by A.
Protein change: p.Gly97Glu; replaces glycine 97 with glutamic acid.
Molecular consequence: missense variant. On other transcripts: intron variant (6).
Genome position (GRCh38, 1-based): chr6:116,279,541, C>T on the plus strand (G>A on the coding strand, the complement: TSPYL1 is on the minus strand). VCF-style: chr6-116279541-C-T. GRCh37 (hg19) VCF-style: chr6-116600704-C-T.
Other names: c.-954+20574C>T (NM_001374520.1); c.-54+20574C>T (NM_001322937.2, NM_001322938.2, NM_001374522.1); c.-641+20574C>T (NM_001374521.1); c.-611+20574C>T (NM_001322940.2); short protein forms G97E.
Identifiers: ClinVar variation 1476835 (VCV001476835.7), dbSNP rs370218082, ClinGen allele CA3969332.